The following is an entry in ClinVar:

NM_000492.4(CFTR):c.353C>A (p.Ser118Tyr)

Gene: CFTR (CF transmembrane conductance regulator; plus strand). Cytogenetic location: 7q31.2.
Variant type: single nucleotide variant.
Coding change: c.353C>A on transcript NM_000492.4 (MANE Select); coding-DNA position 353, C replaced by A.
Protein change: p.Ser118Tyr; replaces serine 118 with tyrosine.
Molecular consequence: missense variant.
Genome position (GRCh38, 1-based): chr7:117,530,978, C>A. VCF-style: chr7-117530978-C-A. GRCh37 (hg19) VCF-style: chr7-117171032-C-A.
Other names: short protein forms S118Y.
Identifiers: ClinVar variation 4868864 (VCV004868864.1).

ClinVar aggregate classification (germline): Uncertain significance (1 of 4 stars; one submission).

Conditions:
Cystic fibrosis (CF). Also called: MUCOVISCIDOSIS. Identifiers: Orphanet 586, MedGen C0010674, MONDO:0009061, OMIM 219700. Disease mechanism: loss of function.

Submission:

Ambry Genetics
Classification: Uncertain significance for Cystic fibrosis. Last evaluated: 2026-06-13. Review status: criteria provided, single submitter. Criteria: Ambry Variant Classification Scheme 2023. Collection method: clinical testing. Allele origin: germline.
Comment: The p.S118Y variant (also known as c.353C>A), located in coding exon 4 of the CFTR gene, results from a C to A substitution at nucleotide position 353. The serine at codon 118 is replaced by tyrosine, an amino acid with dissimilar properties. This amino acid position is conserved. In addition, the in silico prediction for this alteration is inconclusive. Based on the available evidence, the clinical significance of this variant remains unclear.